The following is an entry in ClinVar:

NM_001127511.3(APC):c.165+6_165+9del

Gene: APC (APC regulator of Wnt signaling pathway; plus strand). Cytogenetic location: 5q22.2.
Variant type: Microsatellite.
Coding change: c.165+6_165+9del on transcript NM_001127511.3; bases 6 to 9 of the intron after coding-DNA position 165, 4 bases deleted (TGAG; older notation c.165+6_165+9delTGAG).
Molecular consequence: splice donor variant. On other transcripts: intron variant (5).
Genome position (GRCh38, 1-based): chr5:112,707,888-112,707,891, TGAG deleted; deleting any 4 consecutive bases within chr5:112,707,883-112,707,891 gives the same sequence; the c. name uses the placement nearest the transcript's 3' end. VCF-style (leftmost placement, unchanged base first): chr5-112707882-GGTGA-G. GRCh37 (hg19) VCF-style: chr5-112043579-GGTGA-G.
Other names: c.-19+239_-19+242del (NM_001407457.1, NM_001407458.1, NM_001407448.1 and 1 more transcripts); c.-43+239_-43+242del (NM_001407453.1); c.-1054+6_-1054+9del (NM_001407470.1, NM_001407472.1); c.-19+6_-19+9del (NM_001407447.1, NM_001354895.2, NM_001407456.1 and 3 more transcripts); c.165+6_165+9del (NM_001407446.1, NM_001354897.2, NM_001354902.2).
Identifiers: ClinVar variation 1396112 (VCV001396112.8), dbSNP rs2149631531, ClinGen allele CA2580613619.
Genomic context (GRCh38, chr5:112,707,882, plus strand): 5'-GCAGGAGACGAAGAGCCCGGGCGGCGCTCGTACTTCTGGCCACTGGGCGAGCGTCTGGCA[GGTGA>G]GTGAGGCTGCAGGCATTGACGTCTCCTCCCGGCAAAGCTTCCTCGGCTTTGCCCCGCCGC-3'

ClinVar aggregate classification (germline): Uncertain significance (1 of 4 stars; one submission).

Conditions:
Familial adenomatous polyposis 1 (FAP1). Also called: FAMILIAL ADENOMATOUS POLYPOSIS 1, ATTENUATED; POLYPOSIS, ADENOMATOUS INTESTINAL. Identifiers: MedGen C2713442, MONDO:0021056, OMIM 175100. Disease mechanism: loss of function.

Submission:

Labcorp Genetics (formerly Invitae), Labcorp
Classification: Uncertain significance for Familial adenomatous polyposis 1. Last evaluated: 2025-12-20. Review status: criteria provided, single submitter. Criteria: Invitae Variant Classification Sherloc (09022015). Collection method: clinical testing. Allele origin: germline.
Comment: This variant occurs in a non-coding region of the APC gene. It does not change the encoded amino acid sequence of the APC protein. This variant is not present in population databases (gnomAD no frequency). This variant has not been reported in the literature in individuals affected with APC-related conditions. Experimental studies and prediction algorithms are not available or were not evaluated, and the functional significance of this variant is currently unknown. In summary, the available evidence is currently insufficient to determine the role of this variant in disease. Therefore, it has been classified as a Variant of Uncertain Significance.